The following is an entry in ClinVar:

ClinVar aggregate classification (germline): Benign. Review status: criteria provided, multiple submitters, no conflicts (2 of 4 stars). 12 submissions from 11 submitters: Benign (9). 3 of the submissions do not count toward it. Last evaluated 2026-02-04.

Conditions:
Muscular dystrophy, limb-girdle, autosomal recessive 23. Identifiers: Orphanet 565837, MedGen C4748327, MONDO:0029136, OMIM 618138.
LAMA2-related muscular dystrophy (LAMA2-RD). Also called: Laminin alpha 2-related dystrophy. Identifiers: MedGen C5679788, MONDO:0100228.
Merosin deficient congenital muscular dystrophy (MDC1A). Also called: Congenital merosin-deficient muscular dystrophy 1A; Congenital Muscular Dystrophy Type 1A (MDC1A). Identifiers: Orphanet 258, MedGen C1263858, MONDO:0011925, OMIM 607855.
Congenital muscular dystrophy due to partial LAMA2 deficiency. Identifiers: MedGen C1842898.

Allele frequency attached by ClinVar (database versions not stated): gnomAD exomes 0.16096 and 0.22198; ExAC 0.21900; ESP Exome Variant Server 0.22774; gnomAD 0.25475 and 0.25503; TOPMed 0.27958; 1000 Genomes Project 0.35523; 1000 Genomes Project 30x 0.35837.
gnomAD v4.1: 260,625 of 1,520,938 alleles (17%); highest among the groups gnomAD compares: East Asian, 55%; 30,571 homozygotes.

Submissions (12):

Labcorp Genetics (formerly Invitae), Labcorp
Classification: Benign for LAMA2-related muscular dystrophy. Last evaluated: 2026-02-04. Review status: criteria provided, single submitter. Criteria: Invitae Variant Classification Sherloc (09022015). Collection method: clinical testing. Allele origin: germline.

Women's Health and Genetics/Laboratory Corporation of America, LabCorp
Classification: Benign. Last evaluated: 2025-11-17. Review status: criteria provided, single submitter. Criteria: LabCorp Variant Classification Summary - May 2015. Collection method: clinical testing. Allele origin: germline.

Blueprint Genetics
Classification: Benign. Last evaluated: 2024-11-27. Review status: criteria provided, single submitter. Criteria: ACMG Guidelines, 2015. Collection method: clinical testing. Allele origin: germline.

Genome-Nilou Lab
Classification: Benign for Merosin deficient congenital muscular dystrophy. Last evaluated: 2021-08-19. Review status: criteria provided, single submitter. Criteria: ACMG Guidelines, 2015. Collection method: clinical testing. Allele origin: germline. Affected: no.

Genome-Nilou Lab
Classification: Benign for Muscular dystrophy, limb-girdle, autosomal recessive 23. Last evaluated: 2021-08-19. Review status: criteria provided, single submitter. Criteria: ACMG Guidelines, 2015. Collection method: clinical testing. Allele origin: germline. Affected: no.

Illumina Laboratory Services, Illumina
Classification: Benign for Congenital muscular dystrophy due to partial LAMA2 deficiency. Last evaluated: 2018-01-13. Review status: criteria provided, single submitter. Criteria: ICSL Variant Classification Criteria 13 December 2019. Collection method: clinical testing. Allele origin: germline.
Comment: This variant was observed in the ICSL laboratory as part of a predisposition screen in an ostensibly healthy population. It had not been previously curated by ICSL or reported in the Human Gene Mutation Database (HGMD: prior to June 1st, 2018), and was therefore a candidate for classification through an automated scoring system. Utilizing variant allele frequency, disease prevalence and penetrance estimates, and inheritance mode, an automated score was calculated to assess if this variant is too frequent to cause the disease. Based on the score and internal cut-off values, a variant classified as benign is not then subjected to further curation. The score for this variant resulted in a classification of benign for this disease.

GeneDx
Classification: Benign. Last evaluated: 2016-01-25. Review status: criteria provided, single submitter. Criteria: GeneDx Variant Classification (06012015). Collection method: clinical testing. Allele origin: germline. Affected: yes.
Comment: This variant is considered likely benign or benign based on one or more of the following criteria: it is a conservative change, it occurs at a poorly conserved position in the protein, it is predicted to be benign by multiple in silico algorithms, and/or has population frequency not consistent with disease.

Eurofins Ntd Llc (ga)
Classification: Benign. Last evaluated: 2016-01-20. Review status: criteria provided, single submitter. Criteria: EGL Classification Definitions 2015. Collection method: clinical testing. Allele origin: germline. Observed: 30 variant alleles, 23 heterozygotes, 7 homozygotes.

PreventionGenetics, part of Exact Sciences
Classification: Benign. Review status: criteria provided, single submitter. Criteria: ACMG Guidelines, 2015. Collection method: clinical testing. Allele origin: germline.

Clinical Genetics, Academic Medical Center
Classification: Benign. Review status: no assertion criteria provided. Collection method: clinical testing. Allele origin: germline. Affected: yes. Study: VKGL Data-share Consensus. Not counted in ClinVar's aggregate classification.

Diagnostic Laboratory, Department of Genetics, University Medical Center Groningen
Classification: Benign for Merosin deficient congenital muscular dystrophy. Review status: no assertion criteria provided. Collection method: clinical testing. Allele origin: germline. Affected: yes. Study: VKGL Data-share Consensus. Not counted in ClinVar's aggregate classification.

Joint Genome Diagnostic Labs from Nijmegen and Maastricht, Radboudumc and MUMC+
Classification: Benign. Review status: no assertion criteria provided. Collection method: clinical testing. Allele origin: germline. Affected: yes. Study: VKGL Data-share Consensus. Not counted in ClinVar's aggregate classification.

NM_000426.4(LAMA2):c.3411+13G>A

Gene: LAMA2 (laminin subunit alpha 2; plus strand). Cytogenetic location: 6q22.33.
Variant type: single nucleotide variant.
Coding change: c.3411+13G>A on transcript NM_000426.4 (MANE Select); 13 bases into the intron after coding-DNA position 3411, G replaced by A.
Molecular consequence: intron variant.
Genome position (GRCh38, 1-based): chr6:129,313,110, G>A. VCF-style: chr6-129313110-G-A. GRCh37 (hg19) VCF-style: chr6-129634255-G-A.
Other names: c.3411+13G>A (NM_001079823.2).
Identifiers: ClinVar variation 92951 (VCV000092951.26), dbSNP rs3798663, ClinGen allele CA146114.